The following is an entry in ClinVar:

ClinVar aggregate classification (germline): Likely benign. Review status: criteria provided, multiple submitters, no conflicts (2 of 4 stars). 3 submissions from 3 submitters: Likely benign (3). Last evaluated 2025-06-29.

Conditions:
Cardiovascular phenotype. Identifiers: MedGen CN230736.

Allele frequency attached by ClinVar (database versions not stated): TOPMed 0.00001; 1000 Genomes Project 30x 0.00016; 1000 Genomes Project 0.00020.
gnomAD v4.1: 29 of 1,548,176 alleles (0.0019%); highest among the groups gnomAD compares: East Asian, 0.0049%; no homozygotes.

Submissions (3):

Labcorp Genetics (formerly Invitae), Labcorp
Classification: Likely benign. Last evaluated: 2025-06-29. Review status: criteria provided, single submitter. Criteria: Invitae Variant Classification Sherloc (09022015). Collection method: clinical testing. Allele origin: germline.

Mayo Clinic Laboratories, Mayo Clinic
Classification: Likely benign. Last evaluated: 2025-05-05. Review status: criteria provided, single submitter. Criteria: ACMG Guidelines, 2015. Collection method: clinical testing. Allele origin: germline. Observed: 1 variant allele.
Comment: BP4, BP7, PM2_supporting

Ambry Genetics
Classification: Likely benign for Cardiovascular phenotype. Last evaluated: 2021-05-24. Review status: criteria provided, single submitter. Criteria: Ambry Variant Classification Scheme 2023. Collection method: clinical testing. Allele origin: germline.

NM_001367624.2(ZNF469):c.8730G>A (p.Thr2910=)

Gene: ZNF469 (zinc finger protein 469; plus strand). Cytogenetic location: 16q24.2.
Variant type: single nucleotide variant.
Coding change: c.8730G>A on transcript NM_001367624.2 (MANE Select); coding-DNA position 8730, G replaced by A.
Protein change: p.Thr2910=; no amino-acid change (threonine 2910 retained).
Molecular consequence: synonymous variant.
Genome position (GRCh38, 1-based): chr16:88,436,200, G>A. VCF-style: chr16-88436200-G-A. GRCh37 (hg19) VCF-style: chr16-88502608-G-A.
Other names: NM_001127464.1:c.8646G>A; p.Thr2910=.
Identifiers: ClinVar variation 1764146 (VCV001764146.10), dbSNP rs549214055, ClinGen allele CA286384527.